The following is an entry in ClinVar:

ClinVar aggregate classification (germline): Uncertain significance. Review status: criteria provided, multiple submitters, no conflicts (2 of 4 stars). 2 submissions from 2 submitters: Uncertain significance (2). Last evaluated 2022-03-14.

Conditions:
Inborn genetic diseases. Identifiers: MedGen C0950123, MeSH D030342.

Allele frequency attached by ClinVar (database versions not stated): gnomAD exomes below 0.00001.
gnomAD v4.1: 5 of 1,614,024 alleles (0.00031%); highest among the groups gnomAD compares: Admixed American, 0.0017%; no homozygotes.

Submissions (2):

Labcorp Genetics (formerly Invitae), Labcorp
Classification: Uncertain significance. Last evaluated: 2022-03-14. Review status: criteria provided, single submitter. Criteria: Invitae Variant Classification Sherloc (09022015). Collection method: clinical testing. Allele origin: germline.
Comment: This sequence change replaces threonine, which is neutral and polar, with isoleucine, which is neutral and non-polar, at codon 75 of the PTHLH protein (p.Thr75Ile). This variant is not present in population databases (gnomAD no frequency). This variant has not been reported in the literature in individuals affected with PTHLH-related conditions. Algorithms developed to predict the effect of missense changes on protein structure and function are either unavailable or do not agree on the potential impact of this missense change (SIFT: "Tolerated"; PolyPhen-2: "Possibly Damaging"; Align-GVGD: "Class C0"). In summary, the available evidence is currently insufficient to determine the role of this variant in disease. Therefore, it has been classified as a Variant of Uncertain Significance.

Ambry Genetics
Classification: Uncertain significance for Inborn genetic diseases. Last evaluated: 2021-10-22. Review status: criteria provided, single submitter. Criteria: Ambry Variant Classification Scheme 2023. Collection method: clinical testing. Allele origin: germline.

NM_198965.2(PTHLH):c.224C>T (p.Thr75Ile)

Gene: PTHLH (parathyroid hormone like hormone; minus strand). Cytogenetic location: 12p11.22.
Variant type: single nucleotide variant.
Coding change: c.224C>T on transcript NM_198965.2 (MANE Select); coding-DNA position 224, C replaced by T.
Protein change: p.Thr75Ile; replaces threonine 75 with isoleucine.
Molecular consequence: missense variant.
Genome position (GRCh38, 1-based): chr12:27,963,648, G>A on the plus strand (C>T on the coding strand, the complement: PTHLH is on the minus strand). VCF-style: chr12-27963648-G-A. GRCh37 (hg19) VCF-style: chr12-28116581-G-A.
Other names: c.224C>T, p.Thr75Ile (NM_002820.3, NM_198964.2, NM_198966.2); short protein forms T75I.
Identifiers: ClinVar variation 2055133 (VCV002055133.5), dbSNP rs2539962759, ClinGen allele CA384339375.